The following is an entry in ClinVar:

NM_032409.3(PINK1):c.25C>G (p.Arg9Gly)

Gene: PINK1 (PTEN induced kinase 1; plus strand). Cytogenetic location: 1p36.12.
Variant type: single nucleotide variant.
Coding change: c.25C>G on transcript NM_032409.3 (MANE Select); coding-DNA position 25, C replaced by G.
Protein change: p.Arg9Gly; replaces arginine 9 with glycine.
Molecular consequence: missense variant.
Genome position (GRCh38, 1-based): chr1:20,633,573, C>G. VCF-style: chr1-20633573-C-G. GRCh37 (hg19) VCF-style: chr1-20960066-C-G.
Other names: short protein forms R9G.
Identifiers: ClinVar variation 1356897 (VCV001356897.8), dbSNP rs2154533488, ClinGen allele CA338853365.

ClinVar aggregate classification (germline): Uncertain significance (1 of 4 stars; one submission).

Conditions:
Autosomal recessive early-onset Parkinson disease 6 (PARK6). Also called: PINK1-Related Parkinson Disease; PARKINSON DISEASE 6, EARLY-ONSET; PARKINSON DISEASE 6, MODIFIER OF; PINK1 Type of Young-Onset Parkinson Disease. Identifiers: Orphanet 2828, MedGen C1853833, MONDO:0011613, OMIM 605909.

Submission:

Labcorp Genetics (formerly Invitae), Labcorp
Classification: Uncertain significance for Autosomal recessive early-onset Parkinson disease 6. Last evaluated: 2021-12-02. Review status: criteria provided, single submitter. Criteria: Invitae Variant Classification Sherloc (09022015). Collection method: clinical testing. Allele origin: germline.
Comment: This sequence change replaces arginine, which is basic and polar, with glycine, which is neutral and non-polar, at codon 9 of the PINK1 protein (p.Arg9Gly). This variant is not present in population databases (gnomAD no frequency). This variant has not been reported in the literature in individuals affected with PINK1-related conditions. Algorithms developed to predict the effect of missense changes on protein structure and function are either unavailable or do not agree on the potential impact of this missense change (SIFT: "Tolerated"; PolyPhen-2: "Not Available"; Align-GVGD: "Class C0"). In summary, the available evidence is currently insufficient to determine the role of this variant in disease. Therefore, it has been classified as a Variant of Uncertain Significance.